The following is an entry in ClinVar:

ClinVar aggregate classification (germline): Likely pathogenic (1 of 4 stars; one submission).

Conditions:
Dilated cardiomyopathy 1G (CMD1G). Identifiers: Orphanet 154, MedGen C1858763, MONDO:0011400, OMIM 604145.
Autosomal recessive limb-girdle muscular dystrophy type 2J (LGMDR10). Also called: Limb-girdle muscular dystrophy, type 2J; MUSCULAR DYSTROPHY, LIMB-GIRDLE, AUTOSOMAL RECESSIVE 10. Identifiers: Orphanet 140922, MedGen C1837342, MONDO:0012127, OMIM 608807.

Submission:

Labcorp Genetics (formerly Invitae), Labcorp
Classification: Likely pathogenic for Dilated cardiomyopathy 1G; Autosomal recessive limb-girdle muscular dystrophy type 2J. Last evaluated: 2024-10-18. Review status: criteria provided, single submitter. Criteria: Invitae Variant Classification Sherloc (09022015). Collection method: clinical testing. Allele origin: germline.
Comment: This sequence change affects a donor splice site in intron 67 of the TTN gene. It is expected to disrupt RNA splicing and likely results in a truncated or disrupted TTN protein. This variant is not present in population databases (gnomAD no frequency). Disruption of this splice site has been observed in individual(s) with clinical features of autosomal recessive limb-girdle muscular dystrophy (PMID: 33333461). ClinVar contains an entry for this variant (Variation ID: 404720). Algorithms developed to predict the effect of sequence changes on RNA splicing suggest that this variant may disrupt the consensus splice site. This variant is located in the I band of TTN (PMID: 25589632). Truncating variants in this region have been reported in individuals affected with autosomal recessive centronuclear myopathy (PMID: 23975875, internal data). Truncating variants in this region have also been identified in individuals affected with autosomal dominant dilated cardiomyopathy and/or cardio-related conditions (PMID: 27869827, 32964742, internal data). In summary, the currently available evidence indicates that the variant is pathogenic, but additional data are needed to prove that conclusively. Therefore, this variant has been classified as Likely Pathogenic.

Literature cited by the submitters: PubMed 33333461; PubMed 25589632; PubMed 23975875; PubMed 27869827; PubMed 32964742.

NM_001267550.2(TTN):c.19714+1G>T

Gene: TTN (titin; minus strand). Cytogenetic location: 2q31.2.
Variant type: single nucleotide variant.
Coding change: c.19714+1G>T on transcript NM_001267550.2 (MANE Select); the canonical splice donor site of the intron after coding-DNA position 19714, G replaced by T.
Molecular consequence: splice donor variant. On other transcripts: intron variant (3).
Genome position (GRCh38, 1-based): chr2:178,728,109, C>A on the plus strand (G>T on the coding strand, the complement: TTN is on the minus strand). VCF-style: chr2-178728109-C-A. GRCh37 (hg19) VCF-style: chr2-179592836-C-A.
Other names: c.13282+9973G>T (NM_003319.4); c.13858+9973G>T (NM_133437.4); c.13657+9973G>T (NM_133432.3); c.15982+1G>T (NM_133378.4); c.18763+1G>T (NM_001256850.1).
Identifiers: ClinVar variation 404720 (VCV000404720.9), dbSNP rs1060500423, ClinGen allele CA16610480.